The following is an entry in ClinVar:

ClinVar aggregate classification (germline): Uncertain significance (1 of 4 stars; one submission).

Submission:

GeneDx
Classification: Uncertain significance. Last evaluated: 2026-10-01. Review status: criteria provided, single submitter. Criteria: GeneDx Variant Classification Process June 2021. Collection method: clinical testing. Allele origin: germline.
Comment: Not observed at significant frequency in large population cohorts (gnomAD); In silico analysis supports that this missense variant has a deleterious effect on protein structure/function; Has not been previously published as pathogenic or benign to our knowledge

NM_000307.5(POU3F4):c.943C>T (p.Leu315Phe)

Gene: POU3F4 (POU class 3 homeobox 4; plus strand). Cytogenetic location: Xq21.1.
Variant type: single nucleotide variant.
Coding change: c.943C>T on transcript NM_000307.5 (MANE Select); coding-DNA position 943, C replaced by T.
Protein change: p.Leu315Phe; replaces leucine 315 with phenylalanine.
Molecular consequence: missense variant.
Genome position (GRCh38, 1-based): chrX:83,509,267, C>T. VCF-style: chrX-83509267-C-T. GRCh37 (hg19) VCF-style: chrX-82764275-C-T.
Other names: short protein forms L315F.
Identifiers: ClinVar variation 3899636 (VCV003899636.2).